The following is an entry in ClinVar:

NM_017763.6(RNF43):c.1484C>A (p.Ser495Tyr)

Gene: RNF43 (ring finger protein 43; minus strand). Cytogenetic location: 17q22.
Variant type: single nucleotide variant.
Coding change: c.1484C>A on transcript NM_017763.6 (MANE Select); coding-DNA position 1484, C replaced by A.
Protein change: p.Ser495Tyr; replaces serine 495 with tyrosine.
Molecular consequence: missense variant.
Genome position (GRCh38, 1-based): chr17:58,358,292, G>T on the plus strand (C>A on the coding strand, the complement: RNF43 is on the minus strand). VCF-style: chr17-58358292-G-T. GRCh37 (hg19) VCF-style: chr17-56435653-G-T.
Other names: c.1484C>A, p.Ser495Tyr (NM_001305544.3); c.1103C>A, p.Ser368Tyr (NM_001305545.2); short protein forms S495Y, S368Y.
Identifiers: ClinVar variation 1521975 (VCV001521975.6), dbSNP rs763525805, ClinGen allele CA8673169.

ClinVar aggregate classification (germline): Uncertain significance (1 of 4 stars; one submission).

Allele frequency attached by ClinVar (database versions not stated): gnomAD exomes 0.00001; ExAC 0.00002.
gnomAD v4.1: 5 of 1,614,180 alleles (0.00031%); highest among the groups gnomAD compares: Non-Finnish European, 0.00042%; no homozygotes.

Submission:

Labcorp Genetics (formerly Invitae), Labcorp
Classification: Uncertain significance. Last evaluated: 2021-11-02. Review status: criteria provided, single submitter. Criteria: Invitae Variant Classification Sherloc (09022015). Collection method: clinical testing. Allele origin: germline.
Comment: In summary, the available evidence is currently insufficient to determine the role of this variant in disease. Therefore, it has been classified as a Variant of Uncertain Significance. Algorithms developed to predict the effect of missense changes on protein structure and function are either unavailable or do not agree on the potential impact of this missense change (SIFT: "Deleterious"; PolyPhen-2: "Probably Damaging"; Align-GVGD: "Class C15"). This variant has not been reported in the literature in individuals affected with RNF43-related conditions. This variant is present in population databases (rs763525805, gnomAD 0.003%). This sequence change replaces serine, which is neutral and polar, with tyrosine, which is neutral and polar, at codon 495 of the RNF43 protein (p.Ser495Tyr).